The following is an entry in ClinVar:

NM_014425.5(INVS):c.2907G>A (p.Leu969=)

Gene: INVS (inversin; plus strand). Cytogenetic location: 9q31.1.
Variant type: single nucleotide variant.
Coding change: c.2907G>A on transcript NM_014425.5 (MANE Select); coding-DNA position 2907, G replaced by A.
Protein change: p.Leu969=; no amino-acid change (leucine 969 retained).
Molecular consequence: synonymous variant. On other transcripts: non-coding transcript variant (1).
Genome position (GRCh38, 1-based): chr9:100,297,037, G>A. VCF-style: chr9-100297037-G-A. GRCh37 (hg19) VCF-style: chr9-103059319-G-A.
Other names: c.2619G>A, p.Leu873= (NM_001318381.2); c.1929G>A, p.Leu643= (NM_001318382.2); c.2907G>A (NM_014425.4).
Identifiers: ClinVar variation 1536981 (VCV001536981.10), dbSNP rs148601487, ClinGen allele CA5158730.

ClinVar aggregate classification (germline): Likely benign. Review status: criteria provided, multiple submitters, no conflicts (2 of 4 stars). 3 submissions from 3 submitters: Likely benign (3). Last evaluated 2026-04-09.

Conditions:
INVS-related disorder. Also called: INVS-related condition.
Nephronophthisis. Also called: Juvenile Nephronophthisis. Identifiers: Orphanet 655, MedGen C0687120, MONDO:0019005, HP:0000090.

Allele frequency attached by ClinVar (database versions not stated): ExAC 0.00002; gnomAD exomes 0.00002 and 0.00013; gnomAD 0.00005; TOPMed 0.00006; ESP Exome Variant Server 0.00023.
gnomAD v4.1: 192 of 1,613,764 alleles (0.012%); highest among the groups gnomAD compares: Non-Finnish European, 0.016%; no homozygotes.

Submissions (3):

PreventionGenetics, part of Exact Sciences
Classification: Likely benign for INVS-related condition. Last evaluated: 2026-04-09. Review status: criteria provided, single submitter. Criteria: ACMG Guidelines, 2015. Collection method: clinical testing. Allele origin: germline.
Comment: This variant is classified as likely benign based on ACMG/AMP sequence variant interpretation guidelines (Richards et al. 2015 PMID: 25741868, with internal and published modifications).

Labcorp Genetics (formerly Invitae), Labcorp
Classification: Likely benign for Nephronophthisis. Last evaluated: 2024-02-07. Review status: criteria provided, single submitter. Criteria: Invitae Variant Classification Sherloc (09022015). Collection method: clinical testing. Allele origin: germline.

Blueprint Genetics
Classification: Likely benign. Last evaluated: 2023-07-13. Review status: criteria provided, single submitter. Criteria: ACMG Guidelines, 2015. Collection method: clinical testing. Allele origin: germline.